The following is an entry in ClinVar:

NM_176787.5(PIGN):c.1574+1G>A

Gene: PIGN (phosphatidylinositol glycan anchor biosynthesis class N; minus strand). Cytogenetic location: 18q21.33.
Variant type: single nucleotide variant.
Coding change: c.1574+1G>A on transcript NM_176787.5 (MANE Select); the canonical splice donor site of the intron after coding-DNA position 1574, G replaced by A.
Molecular consequence: splice donor variant.
Genome position (GRCh38, 1-based): chr18:62,109,833, C>T on the plus strand (G>A on the coding strand, the complement: PIGN is on the minus strand). VCF-style: chr18-62109833-C-T. GRCh37 (hg19) VCF-style: chr18-59777066-C-T.
Other names: c.1574+1G>A (NM_012327.6).
Identifiers: ClinVar variation 2736751 (VCV002736751.4), dbSNP rs371315187, ClinGen allele CA8982255.
Genomic context (GRCh38, chr18:62,109,833, plus strand): 5'-TTAAATACAGATTTAACTGTCAATGAAGTGAAAAAACAAGGCAGCAAGATGCATTACTTA[C>T]TCTCTTAGAACCGCATACCATATTGGCAGTGGCAACAAACCATATACATAATATGTCCAG-3'

ClinVar aggregate classification (germline): Likely pathogenic. Review status: criteria provided, multiple submitters, no conflicts (2 of 4 stars). 2 submissions from 2 submitters: Likely pathogenic (2). Last evaluated 2024-01-20.

Conditions:
Multiple congenital anomalies-hypotonia-seizures syndrome 1 (MCAHS1). Also called: GLYCOSYLPHOSPHATIDYLINOSITOL BIOSYNTHESIS DEFECT 3; PIGN-CDG; Congenital disorder of glycosylation due to PIGN deficiency. Identifiers: Orphanet 280633, MedGen C3279775, MONDO:0013563, OMIM 614080.
PIGN-related disorder. Also called: PIGN-related condition.

Allele frequency attached by ClinVar (database versions not stated): ESP Exome Variant Server 0.00008; ExAC 0.00001; gnomAD exomes 0.00002.
gnomAD v4.1: 31 of 1,596,256 alleles (0.0019%); highest among the groups gnomAD compares: Non-Finnish European, 0.0025%; no homozygotes.

Submissions (2):

Labcorp Genetics (formerly Invitae), Labcorp
Classification: Likely pathogenic for Multiple congenital anomalies-hypotonia-seizures syndrome 1. Last evaluated: 2024-01-20. Review status: criteria provided, single submitter. Criteria: Invitae Variant Classification Sherloc (09022015). Collection method: clinical testing. Allele origin: germline.
Comment: This sequence change affects a donor splice site in intron 17 of the PIGN gene. It is expected to disrupt RNA splicing. Variants that disrupt the donor or acceptor splice site typically lead to a loss of protein function (PMID: 16199547), and loss-of-function variants in PIGN are known to be pathogenic (PMID: 24253414, 27038415). This variant is present in population databases (rs371315187, gnomAD 0.0009%). Disruption of this splice site has been observed in individual(s) with PIGN-congenital disorder of glycosylation (PMID: 24852103). Algorithms developed to predict the effect of sequence changes on RNA splicing suggest that this variant may disrupt the consensus splice site. In summary, the currently available evidence indicates that the variant is pathogenic, but additional data are needed to prove that conclusively. Therefore, this variant has been classified as Likely Pathogenic.

Blueprint Genetics
Classification: Likely pathogenic for PIGN-related disorders. Last evaluated: 2019-05-15. Review status: criteria provided, single submitter. Criteria: ACMG Guidelines, 2015. Collection method: clinical testing. Allele origin: germline. Affected: yes. Observed: 1 variant allele.

Literature cited by the submitters: PubMed 16199547 (cited by Labcorp Genetics (formerly Invitae), Labcorp); PubMed 24253414 (cited by Labcorp Genetics (formerly Invitae), Labcorp); PubMed 27038415 (cited by Labcorp Genetics (formerly Invitae), Labcorp); PubMed 24852103 (cited by Labcorp Genetics (formerly Invitae), Labcorp).